The following is an entry in ClinVar:

NM_007294.4(BRCA1):c.5467+658G>A

Gene: BRCA1 (BRCA1 DNA repair associated; minus strand). Cytogenetic location: 17q21.31.
Variant type: single nucleotide variant.
Coding change: c.5467+658G>A on transcript NM_007294.4 (MANE Select); 658 bases into the intron after coding-DNA position 5467, G replaced by A.
Molecular consequence: intron variant.
Genome position (GRCh38, 1-based): chr17:43,046,985, C>T on the plus strand (G>A on the coding strand, the complement: BRCA1 is on the minus strand). VCF-style: chr17-43046985-C-T. GRCh37 (hg19) VCF-style: chr17-41199002-C-T.
Other names: IVS 23+658G>A; c.2014+658G>A (NM_001408458.1, NM_001408461.1, NM_001408464.1 and 7 more transcripts); c.4576+658G>A (NM_001407967.1); c.5086+658G>A (NM_001407959.1); c.5200+658G>A (NM_001407931.1, NM_001407932.1, NM_001407928.1 and 4 more transcripts); c.5323+658G>A (NM_001407747.1, NM_001407745.1, NM_001407737.1 and 18 more transcripts); c.5083+658G>A (NM_001407962.1, NM_001407960.1); c.1654+658G>A (NM_001408512.1); and 84 more.
Identifiers: ClinVar variation 209240 (VCV000209240.2), dbSNP rs8176313, ClinGen allele CA276212.
Genomic context (GRCh38, chr17:43,046,985, plus strand): 5'-GATGTGGAAAAATGTATGTAATATCTTAAGGAAAAAAGCAAAACAGTGTAATTATGATCA[C>T]ATTTTATAAAATACACGTGTATATATACGCACATATGCCTGGTGGAGTTTTATGGTGATC-3'

ClinVar aggregate classification (germline): Benign (3 of 4 stars; one submission).

Conditions:
Breast-ovarian cancer, familial, susceptibility to, 1 (BROVCA1). Also called: BRCA1 Hereditary Breast and Ovarian Cancer; OVARIAN CANCER, SUSCEPTIBILITY TO. Identifiers: Orphanet 145, MedGen C2676676, MONDO:0011450, OMIM 604370. Disease mechanism: loss of function.

Allele frequency attached by ClinVar (database versions not stated): 1000 Genomes Project 0.00559; 1000 Genomes Project 30x 0.00562; TOPMed 0.01397; gnomAD 0.01556 and 0.01688.

Submission:

Evidence-based Network for the Interpretation of Germline Mutant Alleles (ENIGMA)
Classification: Benign for Breast-ovarian cancer, familial 1. Last evaluated: 2015-01-12. Review status: reviewed by expert panel. Criteria: ENIGMA BRCA1/2 Classification Criteria (2015). Collection method: curation. Allele origin: germline.
Comment: Class 1 not pathogenic based on frequency >1% in an outbred sampleset. Frequency 0.01979 (European), derived from 1000 genomes (2012-04-30).